The following is an entry in ClinVar:

ClinVar aggregate classification (germline): Conflicting classifications of pathogenicity. Review status: criteria provided, conflicting classifications (1 of 4 stars). 3 submissions from 3 submitters: Uncertain significance (2); Likely benign (1). Last evaluated 2026-02-12.

Conditions:
Epilepsy, familial focal, with variable foci 3 (FFEVF3). Identifiers: MedGen C4310708, MONDO:0014925, OMIM 617118.

Allele frequency attached by ClinVar (database versions not stated): gnomAD 0.00001; gnomAD exomes 0.00001; TOPMed 0.00001; ExAC 0.00002; ESP Exome Variant Server 0.00008.
gnomAD v4.1: 10 of 1,610,500 alleles (0.00062%); highest among the groups gnomAD compares: Admixed American, 0.0017%; no homozygotes.

Submissions (3):

GeneDx
Classification: Uncertain significance. Last evaluated: 2026-02-12. Review status: criteria provided, single submitter. Criteria: GeneDx Variant Classification Process June 2021. Collection method: clinical testing. Allele origin: germline.
Comment: Not observed at significant frequency in large population cohorts (gnomAD); Has not been previously published as pathogenic or benign to our knowledge; In silico analysis is inconclusive as to whether the variant alters gene splicing. In the absence of RNA/functional studies, the actual effect of this sequence change is unknown.

Labcorp Genetics (formerly Invitae), Labcorp
Classification: Likely benign for Epilepsy, familial focal, with variable foci 3. Last evaluated: 2025-10-22. Review status: criteria provided, single submitter. Criteria: Invitae Variant Classification Sherloc (09022015). Collection method: clinical testing. Allele origin: germline.

CeGaT Center for Human Genetics Tuebingen
Classification: Uncertain significance. Last evaluated: 2017-06-01. Review status: criteria provided, single submitter. Criteria: CeGaT Center For Human Genetics Tuebingen Variant Classification Criteria Version 2. Collection method: clinical testing. Allele origin: germline. Affected: yes. Observed: 1 variant allele.

NM_001077350.3(NPRL3):c.342G>A (p.Pro114=)

Genes: HBA-LCR (alpha-globin locus control region; plus strand), NPRL3 (NPR3 like, GATOR1 complex subunit; minus strand). Cytogenetic location: 16p13.3.
Variant type: single nucleotide variant.
Coding change: c.342G>A on transcript NM_001077350.3 (MANE Select); coding-DNA position 342, G replaced by A.
Protein change: p.Pro114=; no amino-acid change (proline 114 retained).
Molecular consequence: synonymous variant. On other transcripts: intron variant (3).
Genome position (GRCh38, 1-based): chr16:117,352, C>T on the plus strand (G>A on the coding strand, the complement: NPRL3 is on the minus strand). VCF-style: chr16-117352-C-T. GRCh37 (hg19) VCF-style: chr16-167351-C-T.
Other names: c.108G>A, p.Pro36= (NM_001243247.2); c.318+1774G>A (NM_001243248.2, NM_001243249.2); c.-144-4577G>A (NM_001039476.3); c.342G>A (NM_001077350.2).
Identifiers: ClinVar variation 807329 (VCV000807329.50), dbSNP rs368936546, ClinGen allele CA7769696.
Genomic context (GRCh38, chr16:117,352, plus strand): 5'-AACACTCACCCTCAGTGCAAACACCACATTAAAAAGAATCATAGTAGGTGCTTCCCTCTT[C>T]GGGGAAGGATCTGTTTTGGAGATCTGTAAAAGATGCATAATTCTAATTAATTGAGACGAC-3'
Protein context (NP_001070818.1, residues 104-124): LGQISKTDPS[Pro114=]KREAPTMILF